The following is an entry in ClinVar:

NM_025114.4(CEP290):c.6488T>C (p.Met2163Thr)

Gene: CEP290 (centrosomal protein 290; minus strand). Cytogenetic location: 12q21.32.
Variant type: single nucleotide variant.
Coding change: c.6488T>C on transcript NM_025114.4 (MANE Select); coding-DNA position 6488, T replaced by C.
Protein change: p.Met2163Thr; replaces methionine 2163 with threonine.
Molecular consequence: missense variant.
Genome position (GRCh38, 1-based): chr12:88,060,864, A>G on the plus strand (T>C on the coding strand, the complement: CEP290 is on the minus strand). VCF-style: chr12-88060864-A-G. GRCh37 (hg19) VCF-style: chr12-88454641-A-G.
Other names: short protein forms M2163T.
Identifiers: ClinVar variation 3346919 (VCV003346919.1).

ClinVar aggregate classification (germline): Uncertain significance (0 of 4 stars; one submission).

Conditions:
CEP290-related disorder. Also called: CEP290-related condition; CEP290-related disorders. Identifiers: MedGen CN239314.

Submission:

PreventionGenetics, part of Exact Sciences
Classification: Uncertain significance for CEP290-related condition. Last evaluated: 2024-05-27. Review status: no assertion criteria provided. Collection method: clinical testing. Allele origin: germline.
Comment: The CEP290 c.6488T>C variant is predicted to result in the amino acid substitution p.Met2163Thr. To our knowledge, this variant has not been reported in the literature or in a large population database, indicating this variant is rare. At this time, the clinical significance of this variant is uncertain due to the absence of conclusive functional and genetic evidence.